The following is an entry in ClinVar:

NM_152743.4(BRAT1):c.1177G>A (p.Ala393Thr)

Gene: BRAT1 (BRCA1 associated ATM activator 1; minus strand). Cytogenetic location: 7p22.3.
Variant type: single nucleotide variant.
Coding change: c.1177G>A on transcript NM_152743.4 (MANE Select); coding-DNA position 1177, G replaced by A.
Protein change: p.Ala393Thr; replaces alanine 393 with threonine.
Molecular consequence: missense variant. On other transcripts: non-coding transcript variant (1).
Genome position (GRCh38, 1-based): chr7:2,541,442, C>T on the plus strand (G>A on the coding strand, the complement: BRAT1 is on the minus strand). VCF-style: chr7-2541442-C-T. GRCh37 (hg19) VCF-style: chr7-2581076-C-T.
Other names: c.1177G>A, p.Ala393Thr (NM_001350626.2); c.652G>A, p.Ala218Thr (NM_001350627.2); short protein forms A393T, A218T.
Identifiers: ClinVar variation 570074 (VCV000570074.14), dbSNP rs35659709, ClinGen allele CA4127888.

ClinVar aggregate classification (germline): Uncertain significance. Review status: criteria provided, multiple submitters, no conflicts (2 of 4 stars). 4 submissions from 4 submitters: Uncertain significance (4). Last evaluated 2025-01-27.

Conditions:
Inborn genetic diseases. Identifiers: MedGen C0950123, MeSH D030342.
Neonatal-onset encephalopathy with rigidity and seizures. Also called: Lethal neonatal spasticity-epileptic encephalopathy syndrome. Identifiers: Orphanet 435845, MedGen C3281029, MONDO:0013784, OMIM 614498.

Allele frequency attached by ClinVar (database versions not stated): gnomAD exomes 0.00008; 1000 Genomes Project 30x 0.00016; ExAC 0.00017; 1000 Genomes Project 0.00020; gnomAD 0.00005; TOPMed 0.00007.
gnomAD v4.1: 117 of 1,573,444 alleles (0.0074%); highest among the groups gnomAD compares: East Asian, 0.019%; no homozygotes.

Submissions (4):

Ambry Genetics
Classification: Uncertain significance for Inborn genetic diseases. Last evaluated: 2025-01-27. Review status: criteria provided, single submitter. Criteria: Ambry Variant Classification Scheme 2023. Collection method: clinical testing. Allele origin: germline.

Labcorp Genetics (formerly Invitae), Labcorp
Classification: Uncertain significance for Neonatal-onset encephalopathy with rigidity and seizures. Last evaluated: 2024-11-11. Review status: criteria provided, single submitter. Criteria: Invitae Variant Classification Sherloc (09022015). Collection method: clinical testing. Allele origin: germline.
Comment: This sequence change replaces alanine, which is neutral and non-polar, with threonine, which is neutral and polar, at codon 393 of the BRAT1 protein (p.Ala393Thr). This variant is present in population databases (rs35659709, gnomAD 0.06%). This variant has not been reported in the literature in individuals affected with BRAT1-related conditions. ClinVar contains an entry for this variant (Variation ID: 570074). Invitae Evidence Modeling of protein sequence and biophysical properties (such as structural, functional, and spatial information, amino acid conservation, physicochemical variation, residue mobility, and thermodynamic stability) has been performed for this missense variant. However, the output from this modeling did not meet the statistical confidence thresholds required to predict the impact of this variant on BRAT1 protein function. In summary, the available evidence is currently insufficient to determine the role of this variant in disease. Therefore, it has been classified as a Variant of Uncertain Significance.

GeneDx
Classification: Uncertain significance. Last evaluated: 2021-03-03. Review status: criteria provided, single submitter. Criteria: GeneDx Variant Classification Process June 2021. Collection method: clinical testing. Allele origin: germline. Affected: yes.
Comment: In silico analysis, which includes protein predictors and evolutionary conservation, supports that this variant does not alter protein structure/function; Has not been previously published as pathogenic or benign to our knowledge

Revvity Omics, Revvity
Classification: Uncertain significance. Last evaluated: 2020-07-05. Review status: criteria provided, single submitter. Criteria: ACMG Guidelines, 2015. Collection method: clinical testing. Allele origin: germline.